The following is an entry in ClinVar:

ClinVar aggregate classification (germline): Uncertain significance. Review status: criteria provided, multiple submitters, no conflicts (2 of 4 stars). 3 submissions from 3 submitters: Uncertain significance (3). Last evaluated 2025-10-18.

Conditions:
Neuronopathy, distal hereditary motor, autosomal recessive 4. Also called: Autosomal recessive lower motor neuron disease with childhood onset; NEUROPATHY, DISTAL HEREDITARY MOTOR, AUTOSOMAL RECESSIVE 4. Identifiers: Orphanet 206580, MedGen C1970211, MONDO:0012608, OMIM 611067.
Charcot-Marie-Tooth disease recessive intermediate C. Also called: CHARCOT-MARIE-TOOTH NEUROPATHY, RECESSIVE INTERMEDIATE C. Identifiers: Orphanet 369867, MedGen C3809309, MONDO:0014154, OMIM 615376.
Inborn genetic diseases. Identifiers: MedGen C0950123, MeSH D030342.

Allele frequency attached by ClinVar (database versions not stated): TOPMed below 0.00001; gnomAD exomes 0.00001.
gnomAD v4.1: 8 of 1,588,800 alleles (0.0005%); highest among the groups gnomAD compares: South Asian, 0.008%; no homozygotes.

Submissions (3):

Ambry Genetics
Classification: Uncertain significance for Inborn genetic diseases. Last evaluated: 2025-10-18. Review status: criteria provided, single submitter. Criteria: Ambry Variant Classification Scheme 2023. Collection method: clinical testing. Allele origin: germline.

Labcorp Genetics (formerly Invitae), Labcorp
Classification: Uncertain significance for Neuronopathy, distal hereditary motor, autosomal recessive 4; Charcot-Marie-Tooth disease recessive intermediate C. Last evaluated: 2024-10-28. Review status: criteria provided, single submitter. Criteria: Invitae Variant Classification Sherloc (09022015). Collection method: clinical testing. Allele origin: germline.
Comment: This sequence change replaces glutamic acid, which is acidic and polar, with glycine, which is neutral and non-polar, at codon 381 of the PLEKHG5 protein (p.Glu381Gly). The frequency data for this variant in the population databases is considered unreliable, as metrics indicate poor data quality at this position in the gnomAD database. This variant has not been reported in the literature in individuals affected with PLEKHG5-related conditions. ClinVar contains an entry for this variant (Variation ID: 1345761). An algorithm developed to predict the effect of missense changes on protein structure and function (PolyPhen-2) suggests that this variant is likely to be tolerated. In summary, the available evidence is currently insufficient to determine the role of this variant in disease. Therefore, it has been classified as a Variant of Uncertain Significance.

Mayo Clinic Laboratories, Mayo Clinic
Classification: Uncertain significance. Last evaluated: 2021-06-18. Review status: criteria provided, single submitter. Criteria: ACMG Guidelines, 2015. Collection method: clinical testing. Allele origin: germline.

NM_020631.6(PLEKHG5):c.1142A>G (p.Glu381Gly)

Gene: PLEKHG5 (pleckstrin homology and RhoGEF domain containing G5; minus strand). Cytogenetic location: 1p36.31.
Variant type: single nucleotide variant.
Coding change: c.1142A>G on transcript NM_020631.6 (MANE Select); coding-DNA position 1142, A replaced by G.
Protein change: p.Glu381Gly; replaces glutamic acid 381 with glycine.
Molecular consequence: missense variant.
Genome position (GRCh38, 1-based): chr1:6,471,627, T>C on the plus strand (A>G on the coding strand, the complement: PLEKHG5 is on the minus strand). VCF-style: chr1-6471627-T-C. GRCh37 (hg19) VCF-style: chr1-6531687-T-C.
Other names: p.Glu458Gly; c.1253A>G, p.Glu418Gly (NM_001042663.3, NM_001265592.2); c.1142A>G, p.Glu381Gly (NM_001042664.2, NM_001042665.2, NM_001265594.3 and 1 more transcripts); c.1349A>G, p.Glu450Gly (NM_001265593.2); short protein forms E450G, E381G, E418G.
Identifiers: ClinVar variation 1345761 (VCV001345761.12), dbSNP rs1327802744, ClinGen allele CA338130389.